The following is an entry in ClinVar:

ClinVar aggregate classification (germline): Likely benign. Review status: criteria provided, multiple submitters, no conflicts (2 of 4 stars). 2 submissions from 2 submitters: Likely benign (2). Last evaluated 2023-05-26.

Conditions:
Autosomal dominant striatal neurodegeneration type 1. Identifiers: Orphanet 228169, MedGen C4310808, MONDO:0012205, OMIM 609161.

Allele frequency attached by ClinVar (database versions not stated): ExAC 0.00002; gnomAD exomes 0.00003 and 0.00011; gnomAD 0.00005; TOPMed 0.00005; ESP Exome Variant Server 0.00008.
gnomAD v4.1: 158 of 1,509,270 alleles (0.01%); highest among the groups gnomAD compares: Non-Finnish European, 0.014%; no homozygotes.

Submissions (2):

Labcorp Genetics (formerly Invitae), Labcorp
Classification: Likely benign. Last evaluated: 2023-05-26. Review status: criteria provided, single submitter. Criteria: Invitae Variant Classification Sherloc (09022015). Collection method: clinical testing. Allele origin: germline.

Illumina Laboratory Services, Illumina
Classification: Likely benign for Autosomal dominant striatal neurodegeneration type 1. Last evaluated: 2018-01-12. Review status: criteria provided, single submitter. Criteria: ICSL Variant Classification Criteria 13 December 2019. Collection method: clinical testing. Allele origin: germline.
Comment: This variant was observed in the ICSL laboratory as part of a predisposition screen in an ostensibly healthy population. It had not been previously curated by ICSL or reported in the Human Gene Mutation Database (HGMD: prior to June 1st, 2018), and was therefore a candidate for classification through an automated scoring system. Utilizing variant allele frequency, disease prevalence and penetrance estimates, and inheritance mode, an automated score was calculated to assess if this variant is too frequent to cause the disease. Based on the score and internal cut-off values, a variant classified as likely benign is not then subjected to further curation. The score for this variant resulted in a classification of likely benign for this disease.

NM_003719.5(PDE8B):c.1107-6T>A

Gene: PDE8B (phosphodiesterase 8B; plus strand). Cytogenetic location: 5q13.3.
Variant type: single nucleotide variant.
Coding change: c.1107-6T>A on transcript NM_003719.5 (MANE Select); 6 bases into the intron before coding-DNA position 1107, T replaced by A.
Molecular consequence: intron variant.
Genome position (GRCh38, 1-based): chr5:77,353,340, T>A. VCF-style: chr5-77353340-T-A. GRCh37 (hg19) VCF-style: chr5-76649165-T-A.
Other names: c.867-6T>A (NM_001349750.3); c.723-6T>A (NM_001376069.1); c.804-6T>A (NM_001376062.1, NM_001376072.1); c.663-6T>A (NM_001376070.1); c.573+8409T>A (NM_001376073.1); c.801-6T>A (NM_001349752.3); c.660-6T>A (NM_001376071.1); c.744-6T>A (NM_001376066.1); and 12 more.
Identifiers: ClinVar variation 903932 (VCV000903932.8), dbSNP rs367814038, ClinGen allele CA3315143.